The following is an entry in ClinVar:

NM_006269.2(RP1):c.5971C>T (p.Gln1991Ter)

Genes: RP1 (RP1 axonemal microtubule associated; plus strand), LOC126860392 (CDK7 strongly-dependent group 2 enhancer GRCh37_chr8:55541319-55542518; plus strand). Cytogenetic location: 8q12.1.
Variant type: single nucleotide variant.
Coding change: c.5971C>T on transcript NM_006269.2 (MANE Select); coding-DNA position 5971, C replaced by T.
Protein change: p.Gln1991Ter; replaces glutamine 1991 with a stop codon.
Molecular consequence: nonsense. On other transcripts: intron variant (1).
Genome position (GRCh38, 1-based): chr8:54,629,853, C>T. VCF-style: chr8-54629853-C-T. GRCh37 (hg19) VCF-style: chr8-55542413-C-T.
Other names: p.Gln1991*; c.787+7565C>T (NM_001375654.1); short protein forms Q1991*.
Identifiers: ClinVar variation 1076962 (VCV001076962.11), dbSNP rs746823852, ClinGen allele CA370989688.

ClinVar aggregate classification (germline): Pathogenic. Review status: criteria provided, multiple submitters, no conflicts (2 of 4 stars). 3 submissions from 3 submitters: Pathogenic (3). Last evaluated 2026-10-19.

Conditions:
RP1-related recessive retinopathy. Identifiers: MedGen CN322605, MONDO:0800399.
RP1-related disorder. Also called: RP1-related condition.

Allele frequency attached by ClinVar (database versions not stated): gnomAD exomes below 0.00001.
gnomAD v4.1: 2 of 1,613,616 alleles (0.00012%); highest among the groups gnomAD compares: East Asian, 0.0022%; no homozygotes.

Submissions (3):

Department of Ophthalmology, Seoul National University Bundang Hospital
Classification: Pathogenic for RP1-related recessive retinopathy. Last evaluated: 2026-10-19. Review status: criteria provided, single submitter. Criteria: ACMG Guidelines, 2015. Collection method: clinical testing. Allele origin: germline. Inheritance: Autosomal recessive inheritance. Affected: yes.
Comment: Nonsense variant in exon 4. Identified in a Korean multicenter RP1 cohort (PMID:42847597) with recessive retinitis pigmentosa. ACMG/AMP criteria: PVS1, PS4, PM2. Previously reported by Kim et al., 2021 (PMID:33946315).

Blueprint Genetics
Classification: Pathogenic for RP1-related disorders. Last evaluated: 2023-04-04. Review status: criteria provided, single submitter. Criteria: ACMG Guidelines, 2015. Collection method: clinical testing. Allele origin: germline. Affected: yes. Observed: 2 variant alleles.

Labcorp Genetics (formerly Invitae), Labcorp
Classification: Pathogenic. Last evaluated: 2022-03-09. Review status: criteria provided, single submitter. Criteria: Invitae Variant Classification Sherloc (09022015). Collection method: clinical testing. Allele origin: germline.
Comment: For these reasons, this variant has been classified as Pathogenic. This variant disrupts the C-terminus of the RP1 protein. Many variants that disrupt this region have been reported in individuals with either autosomal dominant or autosomal recessive retinitis pigmentosa (PMID: 11527933, 19933189, 29425069, 30027431). Therefore, variants that disrupt this region are expected to be disease-causing. ClinVar contains an entry for this variant (Variation ID: 1076962). This premature translational stop signal has been observed in individual(s) with retinitis pigmentosa (PMID: 33946315). This variant is not present in population databases (gnomAD no frequency). This sequence change creates a premature translational stop signal (p.Gln1991*) in the RP1 gene. While this is not anticipated to result in nonsense mediated decay, it is expected to disrupt the last 166 amino acid(s) of the RP1 protein.

Literature cited by the submitters: PubMed 42847597 (cited by Department of Ophthalmology, Seoul National University Bundang Hospital); PubMed 33946315 (cited by Department of Ophthalmology, Seoul National University Bundang Hospital and Labcorp Genetics (formerly Invitae), Labcorp); PubMed 11527933 (cited by Labcorp Genetics (formerly Invitae), Labcorp); PubMed 19933189 (cited by Labcorp Genetics (formerly Invitae), Labcorp); PubMed 29425069 (cited by Labcorp Genetics (formerly Invitae), Labcorp); PubMed 30027431 (cited by Labcorp Genetics (formerly Invitae), Labcorp).